The following is an entry in ClinVar:

NM_004840.3(ARHGEF6):c.1480-3T>C

Gene: ARHGEF6 (Rac/Cdc42 guanine nucleotide exchange factor 6; minus strand). Cytogenetic location: Xq26.3.
Variant type: single nucleotide variant.
Coding change: c.1480-3T>C on transcript NM_004840.3 (MANE Select); 3 bases into the intron before coding-DNA position 1480, T replaced by C.
Molecular consequence: intron variant.
Genome position (GRCh38, 1-based): chrX:136,681,971, A>G on the plus strand (T>C on the coding strand, the complement: ARHGEF6 is on the minus strand). VCF-style: chrX-136681971-A-G. GRCh37 (hg19) VCF-style: chrX-135764130-A-G.
Other names: c.1018-3T>C (NM_001306177.2).
Identifiers: ClinVar variation 128448 (VCV000128448.14), dbSNP rs138342895, ClinGen allele CA151902.
Genomic context (GRCh38, chrX:136,681,971, plus strand): 5'-CATTCCCTTCAATTTCATCTAATCTAGTCACCACCGTTCCTGCTATTGGTATTTTTCCCT[A>G]TTAGAAAAAGAACATTCTCATTAATTCTGCAGTTATACAGGTCTCTGTTTATTTCACTTA-3'

ClinVar aggregate classification (germline): Benign/Likely benign. Review status: criteria provided, multiple submitters, no conflicts (2 of 4 stars). 5 submissions from 5 submitters: Benign (3); Likely benign (1). 1 of the submissions does not count toward it. Last evaluated 2024-11-06.

Conditions:
ARHGEF6-related disorder. Also called: ARHGEF6-related condition.

Allele frequency attached by ClinVar (database versions not stated): ExAC 0.00159; gnomAD 0.00412 and 0.00442; TOPMed 0.00494; 1000 Genomes Project 0.00530; 1000 Genomes Project 30x 0.00604; ESP Exome Variant Server 0.00663; gnomAD exomes 0.00056 and 0.00136.
gnomAD v4.1: 1,103 of 1,188,161 alleles (0.093%); highest among the groups gnomAD compares: African/African-American, 1.4%; 5 homozygotes.

Submissions (5):

Blueprint Genetics
Classification: Likely benign. Last evaluated: 2024-11-06. Review status: criteria provided, single submitter. Criteria: ACMG Guidelines, 2015. Collection method: clinical testing. Allele origin: germline.

Labcorp Genetics (formerly Invitae), Labcorp
Classification: Benign. Last evaluated: 2019-12-31. Review status: criteria provided, single submitter. Criteria: Invitae Variant Classification Sherloc (09022015). Collection method: clinical testing. Allele origin: germline.

Genetic Services Laboratory, University of Chicago
Classification: Benign for AllHighlyPenetrant. Last evaluated: 2013-07-08. Review status: criteria provided, single submitter. Criteria: ACMG Guidelines, 2007. Collection method: clinical testing. Allele origin: germline. Inheritance: X-linked inheritance.

Breakthrough Genomics
Classification: Benign. Review status: criteria provided, single submitter. Criteria: ACMG Guidelines, 2015. Collection method: not provided. Allele origin: germline. Inheritance: Unknown mechanism. Affected: yes.

PreventionGenetics, part of Exact Sciences
Classification: Benign for ARHGEF6-related condition. Last evaluated: 2024-08-24. Review status: no assertion criteria provided. Collection method: clinical testing. Allele origin: germline. Not counted in ClinVar's aggregate classification.
Comment: This variant is classified as benign based on ACMG/AMP sequence variant interpretation guidelines (Richards et al. 2015 PMID: 25741868, with internal and published modifications).